The following is an entry in ClinVar:

NM_198576.4(AGRN):c.1702G>A (p.Gly568Ser)

Gene: AGRN (agrin; plus strand). Cytogenetic location: 1p36.33.
Variant type: single nucleotide variant.
Coding change: c.1702G>A on transcript NM_198576.4 (MANE Select); coding-DNA position 1702, G replaced by A.
Protein change: p.Gly568Ser; replaces glycine 568 with serine.
Molecular consequence: missense variant.
Genome position (GRCh38, 1-based): chr1:1,043,636, G>A. VCF-style: chr1-1043636-G-A. GRCh37 (hg19) VCF-style: chr1-979016-G-A.
Other names: c.1702G>A, p.Gly568Ser (NM_001305275.2); c.1387G>A, p.Gly463Ser (NM_001364727.2); short protein forms G568S, G463S.
Identifiers: ClinVar variation 1033268 (VCV001033268.3), dbSNP rs1645008527, ClinGen allele CA337833467.
Genomic context (GRCh38, chr1:1,043,636, plus strand): 5'-GCCGAGACCGGGCGCTGCGTGTGCCCCTCTGAATGCGTGGCTTTGGCCCAGCCCGTGTGT[G>A]GCTCCGACGGGCACACGTACCCCAGCGAGTGCATGCTGCACGTGCACGCCTGCACACACC-3'
Protein context (NP_940978.2, residues 558-578): ECVALAQPVC[Gly568Ser]SDGHTYPSEC

ClinVar aggregate classification (germline): Uncertain significance. Review status: criteria provided, multiple submitters, no conflicts (2 of 4 stars). 2 submissions from 2 submitters: Uncertain significance (2). Last evaluated 2023-03-15.

Conditions:
Congenital myasthenic syndrome 8. Also called: Myasthenic syndrome, congenital, 8, with pre- and postsynaptic defects; MYASTHENIC SYNDROME, CONGENITAL, DUE TO AGRIN DEFICIENCY. Identifiers: Orphanet 590, MedGen C3808739, MONDO:0014052, OMIM 615120.

Submissions (2):

Revvity Omics, Revvity
Classification: Uncertain significance for Congenital myasthenic syndrome 8. Last evaluated: 2023-03-15. Review status: criteria provided, single submitter. Criteria: ACMG Guidelines, 2015. Collection method: clinical testing. Allele origin: germline.

Baylor Genetics
Classification: Uncertain significance for Congenital myasthenic syndrome 8. Last evaluated: 2018-06-27. Review status: criteria provided, single submitter. Criteria: ACMG Guidelines, 2015. Collection method: clinical testing. Allele origin: unknown. Affected: yes.
Comment: This variant was determined to be of uncertain significance according to ACMG Guidelines, 2015 [PMID:25741868].